The following is an entry in ClinVar:

NM_015474.4(SAMHD1):c.1199C>T (p.Thr400Ile)

Gene: SAMHD1 (SAM and HD domain containing deoxynucleoside triphosphate triphosphohydrolase 1; minus strand). Cytogenetic location: 20q11.23.
Variant type: single nucleotide variant.
Coding change: c.1199C>T on transcript NM_015474.4 (MANE Select); coding-DNA position 1199, C replaced by T.
Protein change: p.Thr400Ile; replaces threonine 400 with isoleucine.
Molecular consequence: missense variant.
Genome position (GRCh38, 1-based): chr20:36,911,289, G>A on the plus strand (C>T on the coding strand, the complement: SAMHD1 is on the minus strand). VCF-style: chr20-36911289-G-A. GRCh37 (hg19) VCF-style: chr20-35539692-G-A.
Other names: c.1199C>T, p.Thr400Ile (NM_001363729.2, NM_001363733.2); c.1199C>T (NM_015474.3); short protein forms T400I.
Identifiers: ClinVar variation 1410007 (VCV001410007.6), dbSNP rs759140727, ClinGen allele CA9844560.

ClinVar aggregate classification (germline): Uncertain significance. Review status: criteria provided, multiple submitters, no conflicts (2 of 4 stars). 2 submissions from 2 submitters: Uncertain significance (2). Last evaluated 2023-12-27.

Conditions:
Inborn genetic diseases. Identifiers: MedGen C0950123, MeSH D030342.
Aicardi-Goutieres syndrome 5. Identifiers: Orphanet 51, MedGen C2749659, MONDO:0013059, OMIM 612952.

Allele frequency attached by ClinVar (database versions not stated): gnomAD exomes below 0.00001 and 0.00001; ExAC 0.00001; TOPMed 0.00001.
gnomAD v4.1: 6 of 1,612,828 alleles (0.00037%); highest among the groups gnomAD compares: Non-Finnish European, 0.00051%; no homozygotes.

Submissions (2):

Labcorp Genetics (formerly Invitae), Labcorp
Classification: Uncertain significance for Aicardi-Goutieres syndrome 5. Last evaluated: 2023-12-27. Review status: criteria provided, single submitter. Criteria: Invitae Variant Classification Sherloc (09022015). Collection method: clinical testing. Allele origin: germline.
Comment: This sequence change replaces threonine, which is neutral and polar, with isoleucine, which is neutral and non-polar, at codon 400 of the SAMHD1 protein (p.Thr400Ile). This variant is present in population databases (rs759140727, gnomAD 0.003%). This variant has not been reported in the literature in individuals affected with SAMHD1-related conditions. ClinVar contains an entry for this variant (Variation ID: 1410007). Algorithms developed to predict the effect of missense changes on protein structure and function output the following: SIFT: "Not Available"; PolyPhen-2: "Benign"; Align-GVGD: "Not Available". The isoleucine amino acid residue is found in multiple mammalian species, which suggests that this missense change does not adversely affect protein function. In summary, the available evidence is currently insufficient to determine the role of this variant in disease. Therefore, it has been classified as a Variant of Uncertain Significance.

Ambry Genetics
Classification: Uncertain significance for Inborn genetic diseases. Last evaluated: 2021-10-12. Review status: criteria provided, single submitter. Criteria: Ambry Variant Classification Scheme 2023. Collection method: clinical testing. Allele origin: germline.